The following is an entry in ClinVar:

NM_005188.4(CBL):c.1814C>T (p.Ser605Phe)

Gene: CBL (Cbl proto-oncogene; plus strand). Cytogenetic location: 11q23.3.
Variant type: single nucleotide variant.
Coding change: c.1814C>T on transcript NM_005188.4 (MANE Select); coding-DNA position 1814, C replaced by T.
Protein change: p.Ser605Phe; replaces serine 605 with phenylalanine.
Molecular consequence: missense variant.
Genome position (GRCh38, 1-based): chr11:119,285,439, C>T. VCF-style: chr11-119285439-C-T. GRCh37 (hg19) VCF-style: chr11-119156149-C-T.
Other names: short protein forms S605F.
Identifiers: ClinVar variation 4219926 (VCV004219926.1).

ClinVar aggregate classification (germline): Uncertain significance (1 of 4 stars; one submission).

Conditions:
Cardiovascular phenotype. Identifiers: MedGen CN230736.

Submission:

Ambry Genetics
Classification: Uncertain significance for Cardiovascular phenotype. Last evaluated: 2025-09-04. Review status: criteria provided, single submitter. Criteria: Ambry Variant Classification Scheme 2023. Collection method: clinical testing. Allele origin: germline.
Comment: The p.S605F variant (also known as c.1814C>T), located in coding exon 11 of the CBL gene, results from a C to T substitution at nucleotide position 1814. The serine at codon 605 is replaced by phenylalanine, an amino acid with highly dissimilar properties. This amino acid position is conserved. In addition, this alteration is predicted to be tolerated by in silico analysis. Based on the available evidence, the clinical significance of this variant remains unclear.